The following is an entry in ClinVar:

NM_017852.5(NLRP2):c.3181A>G (p.Met1061Val)

Gene: NLRP2 (NLR family pyrin domain containing 2; plus strand). Cytogenetic location: 19q13.42.
Variant type: single nucleotide variant.
Coding change: c.3181A>G on transcript NM_017852.5 (MANE Select); coding-DNA position 3181, A replaced by G.
Protein change: p.Met1061Val; replaces methionine 1061 with valine.
Molecular consequence: missense variant. On other transcripts: non-coding transcript variant (1).
Genome position (GRCh38, 1-based): chr19:55,000,890, A>G. VCF-style: chr19-55000890-A-G. GRCh37 (hg19) VCF-style: chr19-55512258-A-G.
Other names: c.3181A>G, p.Met1061Val (NM_001174081.3); c.3115A>G, p.Met1039Val (NM_001174082.3); c.3112A>G, p.Met1038Val (NM_001174083.2); c.3172A>G, p.Met1058Val (NM_001348003.2); short protein forms M1038V, M1039V, M1058V, M1061V.
Identifiers: ClinVar variation 2650504 (VCV002650504.24), dbSNP rs149992714, ClinGen allele CA310115469.
Genomic context (GRCh38, chr19:55,000,890, plus strand): 5'-CTGATTATTGATACTGAGAAACATCATCCCTGGGCAGAAAGGCCTTCTTCTCATGACTTC[A>G]TGATCTGAATCCCCCCGAGTCATTCATTCTCCATGAAGTCATCGATTTTCCAGGTGTTGG-3'
Protein context (NP_060322.1, residues 1051-1062): WAERPSSHDF[Met1061Val]I

ClinVar aggregate classification (germline): Likely benign (1 of 4 stars; one submission).

Allele frequency attached by ClinVar (database versions not stated): TOPMed 0.00022; ESP Exome Variant Server 0.00031.

Submission:

CeGaT Center for Human Genetics Tuebingen
Classification: Likely benign. Last evaluated: 2022-08-01. Review status: criteria provided, single submitter. Criteria: CeGaT Center For Human Genetics Tuebingen Variant Classification Criteria Version 2. Collection method: clinical testing. Allele origin: germline. Affected: yes. Observed: 1 variant allele.
Comment: NLRP2: BP4